The following is an entry in ClinVar:

NM_000212.3(ITGB3):c.1543del (p.Arg515fs)

Gene: ITGB3 (integrin subunit beta 3; plus strand). Cytogenetic location: 17q21.32.
Variant type: Deletion.
Coding change: c.1543del on transcript NM_000212.3 (MANE Select); coding-DNA position 1543, one base deleted (C; older notation c.1543delC).
Protein change: p.Arg515fs; shifts the reading frame from arginine 515.
Molecular consequence: frameshift variant.
Genome position (GRCh38, 1-based): chr17:47,292,421, C deleted; the last of 5 consecutive C bases (chr17:47,292,417-47,292,421); deleting any one gives the same sequence. VCF-style (leftmost placement, unchanged base first): chr17-47292416-GC-G. GRCh37 (hg19) VCF-style: chr17-45369782-GC-G.
Other names: c.1539del (NM_000212.3); short protein forms R515fs.
Identifiers: ClinVar variation 1210209 (VCV001210209.2), dbSNP rs2143113675, ClinGen allele CA500651429.

ClinVar aggregate classification (germline): Likely pathogenic (3 of 4 stars; one submission).

Conditions:
Glanzmann thrombasthenia. Also called: BLEEDING DISORDER, PLATELET-TYPE, 2; THROMBASTHENIA OF GLANZMANN AND NAEGELI; PLATELET GLYCOPROTEIN IIb-IIIa DEFICIENCY; Thrombasthenia; Glanzmann's thrombasthenia. Identifiers: Orphanet 849, MedGen C0040015, MONDO:0100326.

Submission:

ClinGen Platelet Disorders Variant Curation Expert Panel, ClinGen
Classification: Likely pathogenic for Glanzmann thrombasthenia. Last evaluated: 2024-05-02. Review status: reviewed by expert panel. Criteria: ClinGen Platelet ACMG Specifications v2-1. Collection method: curation. Allele origin: germline. Inheritance: Autosomal recessive inheritance.
Comment: The ITGB3 frameshift variant NM_000212.3:c.1543del (p.Arg515GlyfsTer154) is expected to introduce a premature termination codon in exon 12/15. The resulting mRNA product is predicted to undergo nonsense mediated decay, leading to loss of normal protein function (PVS1). This variant has been observed in heterozygosity in an individual suspected to have Glanzmann's thrombasthenia (GT) (GT-58 in PMID: 30792900), however sufficient information to confirm if the individual's phenotype is specific for GT was not provided and a second ITGB3 variant was not identified. This variant is absent from gnomADv4.0 (PM2_supporting). In summary, this variant meets criteria to be classified as likely pathogenic for GT. GT-specific criteria applied: PVS1, PM2_supporting.